The following is an entry in ClinVar:

NM_000051.4(ATM):c.86A>G (p.Lys29Arg)

Gene: ATM (ATM serine/threonine kinase; plus strand). Cytogenetic location: 11q22.3.
Variant type: single nucleotide variant.
Coding change: c.86A>G on transcript NM_000051.4 (MANE Select); coding-DNA position 86, A replaced by G.
Protein change: p.Lys29Arg; replaces lysine 29 with arginine.
Molecular consequence: missense variant.
Genome position (GRCh38, 1-based): chr11:108,227,789, A>G. VCF-style: chr11-108227789-A-G. GRCh37 (hg19) VCF-style: chr11-108098516-A-G.
Other names: c.86A>G, p.Lys29Arg (NM_001351834.2, NM_001351835.2, NM_001351836.2); short protein forms K29R.
Identifiers: ClinVar variation 2562588 (VCV002562588.4), dbSNP rs147009251, ClinGen allele CA382519558.

ClinVar aggregate classification (germline): Uncertain significance. Review status: criteria provided, multiple submitters, no conflicts (2 of 4 stars). 2 submissions from 2 submitters: Uncertain significance (2). Last evaluated 2024-05-31.

Conditions:
Hereditary cancer-predisposing syndrome. Also called: Neoplastic Syndromes, Hereditary; Hereditary Cancer Syndrome; Tumor predisposition; Hereditary neoplastic syndrome. Identifiers: Orphanet 140162, MedGen C0027672, MeSH D009386, MONDO:0015356.
Ataxia-telangiectasia syndrome (AT). Also called: LOUIS-BAR SYNDROME; ATAXIA-TELANGIECTASIA, COMPLEMENTATION GROUP A; Ataxia-telangiectasia, complementation group D; AT, COMPLEMENTATION GROUP C; Ataxia-telangiectasia, complementation group E; Ataxia-telangiectasia. Identifiers: Orphanet 100, MedGen C0004135, MONDO:0008840, OMIM 208900.

gnomAD v4.1: 1 of 1,613,762 alleles (0.000062%); highest among the groups gnomAD compares: Non-Finnish European, 0.000085%; no homozygotes.

Submissions (2):

Labcorp Genetics (formerly Invitae), Labcorp
Classification: Uncertain significance for Ataxia-telangiectasia syndrome. Last evaluated: 2024-05-31. Review status: criteria provided, single submitter. Criteria: Invitae Variant Classification Sherloc (09022015). Collection method: clinical testing. Allele origin: germline.
Comment: This sequence change replaces lysine, which is basic and polar, with arginine, which is basic and polar, at codon 29 of the ATM protein (p.Lys29Arg). This variant is not present in population databases (gnomAD no frequency). This variant has not been reported in the literature in individuals affected with ATM-related conditions. ClinVar contains an entry for this variant (Variation ID: 2562588). Advanced modeling of protein sequence and biophysical properties (such as structural, functional, and spatial information, amino acid conservation, physicochemical variation, residue mobility, and thermodynamic stability) performed at Invitae indicates that this missense variant is not expected to disrupt ATM protein function with a negative predictive value of 95%. In summary, the available evidence is currently insufficient to determine the role of this variant in disease. Therefore, it has been classified as a Variant of Uncertain Significance.

Ambry Genetics
Classification: Uncertain significance for Hereditary cancer-predisposing syndrome. Last evaluated: 2023-05-09. Review status: criteria provided, single submitter. Criteria: Ambry Variant Classification Scheme 2023. Collection method: clinical testing. Allele origin: germline.
Comment: The p.K29R variant (also known as c.86A>G), located in coding exon 2 of the ATM gene, results from an A to G substitution at nucleotide position 86. The lysine at codon 29 is replaced by arginine, an amino acid with highly similar properties. This amino acid position is not well conserved in available vertebrate species. In addition, this alteration is predicted to be tolerated by in silico analysis. Since supporting evidence is limited at this time, the clinical significance of this alteration remains unclear.